The following is an entry in ClinVar:

NM_002474.3(MYH11):c.2180+2T>C

Gene: MYH11 (myosin heavy chain 11; minus strand). Cytogenetic location: 16p13.11.
Variant type: single nucleotide variant.
Coding change: c.2180+2T>C on transcript NM_002474.3 (MANE Select); the canonical splice donor site of the intron after coding-DNA position 2180, T replaced by C.
Molecular consequence: splice donor variant.
Genome position (GRCh38, 1-based): chr16:15,748,045, A>G on the plus strand (T>C on the coding strand, the complement: MYH11 is on the minus strand). VCF-style: chr16-15748045-A-G. GRCh37 (hg19) VCF-style: chr16-15841902-A-G.
Other names: c.2180+2T>C (NM_022844.3); c.2201+2T>C (NM_001040114.2, NM_001040113.2).
Identifiers: ClinVar variation 923688 (VCV000923688.3), dbSNP rs2041467979, ClinGen allele CA394867906.

ClinVar aggregate classification (germline): Uncertain significance (1 of 4 stars; one submission).

Conditions:
Familial thoracic aortic aneurysm and aortic dissection (TAAD). Also called: Thoracic aortic aneurysms and dissections. Identifiers: Orphanet 91387, MedGen C4707243, MONDO:0019625.

Submission:

Color Diagnostics, LLC DBA Color Health
Classification: Uncertain significance for Familial thoracic aortic aneurysm and aortic dissection. Last evaluated: 2019-01-31. Review status: criteria provided, single submitter. Criteria: ACMG Guidelines, 2015. Collection method: clinical testing. Allele origin: germline.
Comment: Variant of Uncertain Significance due to insufficient evidence: This variant alters the intron 18 canonical splice donor site of the MYH11 gene. Computational splicing tools predict that this variant may disrupt RNA splicing. Although functional studies have not been performed for this variant, this variant is expected to result in an absent or disrupted protein product. This variant has not been reported in individuals affected with cardiovascular disorders in the literature. This variant has been identified in 3/276560 chromosomes in the general population by the Genome Aggregation Database (gnomAD). Disease-causing variants in MYH11 are mostly missense variants that act in a dominant-negative manner. The role of MYH11 loss-of-function variants in cardiomyopathy is not clearly established. Available evidence is insufficient to determine the role of this variant in disease conclusively.